The following is an entry in ClinVar:

ClinVar aggregate classification (germline): Likely benign. Review status: criteria provided, multiple submitters, no conflicts (2 of 4 stars). 2 submissions from 2 submitters: Likely benign (2). Last evaluated 2026-01-21.

Conditions:
Familial sleep-related hypermotor epilepsy. Also called: Autosomal Dominant Sleep-Related Hypermotor (Hyperkinetic) Epilepsy. Identifiers: Orphanet 98784, MedGen C3696898, MONDO:0000030.

Allele frequency attached by ClinVar (database versions not stated): gnomAD exomes 0.00002 and 0.00001; gnomAD 0.00001; ExAC 0.00003.
gnomAD v4.1: 15 of 1,613,618 alleles (0.00093%); highest among the groups gnomAD compares: Admixed American, 0.01%; no homozygotes.

Submissions (2):

Labcorp Genetics (formerly Invitae), Labcorp
Classification: Likely benign. Last evaluated: 2026-01-21. Review status: criteria provided, single submitter. Criteria: Invitae Variant Classification Sherloc (09022015). Collection method: clinical testing. Allele origin: germline.

GeneDx
Classification: Likely benign. Last evaluated: 2016-11-22. Review status: criteria provided, single submitter. Criteria: GeneDx Variant Classification (06012015). Collection method: clinical testing. Allele origin: germline. Affected: yes.
Comment: This variant is considered likely benign or benign based on one or more of the following criteria: it is a conservative change, it occurs at a poorly conserved position in the protein, it is predicted to be benign by multiple in silico algorithms, and/or has population frequency not consistent with disease.

NM_000744.7(CHRNA4):c.1062C>T (p.Arg354=)

Gene: CHRNA4 (cholinergic receptor nicotinic alpha 4 subunit; minus strand). Cytogenetic location: 20q13.33.
Variant type: single nucleotide variant.
Coding change: c.1062C>T on transcript NM_000744.7 (MANE Select); coding-DNA position 1062, C replaced by T.
Protein change: p.Arg354=; no amino-acid change (arginine 354 retained).
Molecular consequence: synonymous variant. On other transcripts: non-coding transcript variant (1).
Genome position (GRCh38, 1-based): chr20:63,350,349, G>A on the plus strand (C>T on the coding strand, the complement: CHRNA4 is on the minus strand). VCF-style: chr20-63350349-G-A. GRCh37 (hg19) VCF-style: chr20-61981701-G-A.
Other names: c.534C>T, p.Arg178= (NM_001256573.2).
Identifiers: ClinVar variation 391142 (VCV000391142.11), dbSNP rs764108665, ClinGen allele CA9957666.